The following is an entry in ClinVar:

ClinVar aggregate classification (germline): Conflicting classifications of pathogenicity. Review status: criteria provided, conflicting classifications (1 of 4 stars). 4 submissions from 4 submitters: Uncertain significance (1); Likely benign (2). 1 of the submissions does not count toward it. Last evaluated 2026-01-05.

Conditions:
Cone-rod dystrophy 7 (CORD7). Identifiers: Orphanet 1872, MedGen C1863634, MONDO:0011355, OMIM 603649.
Retinal dystrophy. Also called: Inherited retinal dystrophy. Identifiers: Orphanet 71862, MedGen C0854723, MeSH D058499, MONDO:0019118, HP:0000556.

Allele frequency attached by ClinVar (database versions not stated): gnomAD 0.00033 and 0.00032; ExAC 0.00018; gnomAD exomes 0.00026 and 0.00067; TOPMed 0.00032; ESP Exome Variant Server 0.00039.
gnomAD v4.1: 1,000 of 1,613,054 alleles (0.062%); highest among the groups gnomAD compares: Non-Finnish European, 0.082%; 1 homozygote.

Submissions (4):

Labcorp Genetics (formerly Invitae), Labcorp
Classification: Uncertain significance. Last evaluated: 2026-01-05. Review status: criteria provided, single submitter. Criteria: Invitae Variant Classification Sherloc (09022015). Collection method: clinical testing. Allele origin: germline.
Comment: This sequence change replaces glycine, which is neutral and non-polar, with arginine, which is basic and polar, at codon 1235 of the RIMS1 protein (p.Gly1235Arg). This variant is present in population databases (rs200637817, gnomAD 0.05%), and has an allele count higher than expected for a pathogenic variant. This variant has not been reported in the literature in individuals affected with RIMS1-related conditions. ClinVar contains an entry for this variant (Variation ID: 840239). An algorithm developed to predict the effect of missense changes on protein structure and function (PolyPhen-2) suggests that this variant is likely to be disruptive. In summary, the available evidence is currently insufficient to determine the role of this variant in disease. Therefore, it has been classified as a Variant of Uncertain Significance.

Blueprint Genetics
Classification: Likely benign. Last evaluated: 2024-09-23. Review status: criteria provided, single submitter. Criteria: ACMG Guidelines, 2015. Collection method: clinical testing. Allele origin: germline.

Illumina Laboratory Services, Illumina
Classification: Likely benign for Cone-rod dystrophy 7. Last evaluated: 2018-01-12. Review status: criteria provided, single submitter. Criteria: ICSL Variant Classification Criteria 13 December 2019. Collection method: clinical testing. Allele origin: germline.
Comment: This variant was observed in the ICSL laboratory as part of a predisposition screen in an ostensibly healthy population. It had not been previously curated by ICSL or reported in the Human Gene Mutation Database (HGMD: prior to June 1st, 2018), and was therefore a candidate for classification through an automated scoring system. Utilizing variant allele frequency, disease prevalence and penetrance estimates, and inheritance mode, an automated score was calculated to assess if this variant is too frequent to cause the disease. Based on the score and internal cut-off values, a variant classified as likely benign is not then subjected to further curation. The score for this variant resulted in a classification of likely benign for this disease.

Institute of Human Genetics, Univ. Regensburg, Univ. Regensburg
Classification: Uncertain significance for Retinal dystrophy. Last evaluated: 2020-01-01. Review status: no assertion criteria provided. Criteria: ACMG Guidelines, 2015. Collection method: clinical testing. Allele origin: germline. Affected: yes. Not counted in ClinVar's aggregate classification.

NM_014989.7(RIMS1):c.3703G>A (p.Gly1235Arg)

Gene: RIMS1 (regulating synaptic membrane exocytosis 1; plus strand). Cytogenetic location: 6q13.
Variant type: single nucleotide variant.
Coding change: c.3703G>A on transcript NM_014989.7 (MANE Select); coding-DNA position 3703, G replaced by A.
Protein change: p.Gly1235Arg; replaces glycine 1235 with arginine.
Molecular consequence: missense variant. On other transcripts: intron variant (56).
Genome position (GRCh38, 1-based): chr6:72,290,827, G>A. VCF-style: chr6-72290827-G-A. GRCh37 (hg19) VCF-style: chr6-73000530-G-A.
Other names: c.1777G>A, p.Gly593Arg (NM_001350420.2); c.1759G>A, p.Gly587Arg (NM_001350431.2); c.1846G>A, p.Gly616Arg (NM_001350438.2, NM_001350456.2); c.1849G>A, p.Gly617Arg (NM_001350442.2, NM_001350446.2); c.1708G>A, p.Gly570Arg (NM_001350462.2); c.1632-1107G>A (NM_001350428.2); c.1560-1107G>A (NM_001350459.2, NM_001350424.2); c.1641-1107G>A (NM_001350437.2); and 31 more; short protein forms G570R, G617R, G1235R, G593R, G616R, G587R.
Identifiers: ClinVar variation 840239 (VCV000840239.13), dbSNP rs200637817, ClinGen allele CA3886323.